The following is an entry in ClinVar:

ClinVar aggregate classification (germline): Uncertain significance. Review status: criteria provided, multiple submitters, no conflicts (2 of 4 stars). 2 submissions from 2 submitters: Uncertain significance (2). Last evaluated 2025-01-31.

Conditions:
Inborn genetic diseases. Identifiers: MedGen C0950123, MeSH D030342.

gnomAD v4.1: 2 of 1,613,306 alleles (0.00012%); highest among the groups gnomAD compares: Non-Finnish European, 0.00017%; no homozygotes.

Submissions (2):

Ambry Genetics
Classification: Uncertain significance for Inborn genetic diseases. Last evaluated: 2025-01-31. Review status: criteria provided, single submitter. Criteria: Ambry Variant Classification Scheme 2023. Collection method: clinical testing. Allele origin: germline.
Comment: The p.K1531E variant (also known as c.4591A>G), located in coding exon 31 of the ANKRD26 gene, results from an A to G substitution at nucleotide position 4591. The lysine at codon 1531 is replaced by glutamic acid, an amino acid with similar properties. This amino acid position is conserved. In addition, this alteration is predicted to be tolerated by in silico analysis. Based on the available evidence, the clinical significance of this variant remains unclear.

Labcorp Genetics (formerly Invitae), Labcorp
Classification: Uncertain significance. Last evaluated: 2024-11-13. Review status: criteria provided, single submitter. Criteria: Invitae Variant Classification Sherloc (09022015). Collection method: clinical testing. Allele origin: germline.
Comment: This sequence change replaces lysine, which is basic and polar, with glutamic acid, which is acidic and polar, at codon 1531 of the ANKRD26 protein (p.Lys1531Glu). This variant is present in population databases (no rsID available, gnomAD 0.0009%). This variant has not been reported in the literature in individuals affected with ANKRD26-related conditions. An algorithm developed to predict the effect of missense changes on protein structure and function (PolyPhen-2) suggests that this variant is likely to be tolerated. In summary, the available evidence is currently insufficient to determine the role of this variant in disease. Therefore, it has been classified as a Variant of Uncertain Significance.

NM_014915.3(ANKRD26):c.4591A>G (p.Lys1531Glu)

Gene: ANKRD26 (ankyrin repeat domain 26; minus strand). Cytogenetic location: 10p12.1.
Variant type: single nucleotide variant.
Coding change: c.4591A>G on transcript NM_014915.3 (MANE Select); coding-DNA position 4591, A replaced by G.
Protein change: p.Lys1531Glu; replaces lysine 1531 with glutamic acid.
Molecular consequence: missense variant.
Genome position (GRCh38, 1-based): chr10:27,014,627, T>C on the plus strand (A>G on the coding strand, the complement: ANKRD26 is on the minus strand). VCF-style: chr10-27014627-T-C. GRCh37 (hg19) VCF-style: chr10-27303556-T-C.
Other names: c.4588A>G, p.Lys1530Glu (NM_001256053.2); short protein forms K1530E, K1531E.
Identifiers: ClinVar variation 3710216 (VCV003710216.3).